The following is an entry in ClinVar:

NM_005435.4(ARHGEF5):c.2829G>A (p.Pro943=)

Gene: ARHGEF5 (Rho guanine nucleotide exchange factor 5; plus strand). Cytogenetic location: 7q35.
Variant type: single nucleotide variant.
Coding change: c.2829G>A on transcript NM_005435.4 (MANE Select); coding-DNA position 2829, G replaced by A.
Protein change: p.Pro943=; no amino-acid change (proline 943 retained).
Molecular consequence: synonymous variant.
Genome position (GRCh38, 1-based): chr7:144,365,498, G>A. VCF-style: chr7-144365498-G-A. GRCh37 (hg19) VCF-style: chr7-144062591-G-A.
Identifiers: ClinVar variation 3905193 (VCV003905193.10).

ClinVar aggregate classification (germline): Likely benign (1 of 4 stars; one submission).

Submission:

CeGaT Center for Human Genetics Tuebingen
Classification: Likely benign. Last evaluated: 2025-05-01. Review status: criteria provided, single submitter. Criteria: CeGaT Center For Human Genetics Tuebingen Variant Classification Criteria Version 2. Collection method: clinical testing. Allele origin: germline. Affected: yes. Observed: 1 variant allele.
Comment: ARHGEF5: BP4, BP7